The following is an entry in ClinVar:

NM_003560.4(PLA2G6):c.895-4G>A

Gene: PLA2G6 (phospholipase A2 group VI; minus strand). Cytogenetic location: 22q13.1.
Variant type: single nucleotide variant.
Coding change: c.895-4G>A on transcript NM_003560.4 (MANE Select); 4 bases into the intron before coding-DNA position 895, G replaced by A.
Molecular consequence: intron variant.
Genome position (GRCh38, 1-based): chr22:38,133,017, C>T on the plus strand (G>A on the coding strand, the complement: PLA2G6 is on the minus strand). VCF-style: chr22-38133017-C-T. GRCh37 (hg19) VCF-style: chr22-38529024-C-T.
Other names: c.217-4G>A (NM_001349868.2); c.895-4G>A (NM_001349866.2, NM_001199562.3, NM_001349865.2 and 2 more transcripts); c.361-4G>A (NM_001349869.2, NM_001349867.2).
Identifiers: ClinVar variation 2869895 (VCV002869895.11), dbSNP rs1194286714, ClinGen allele CA639396008.

ClinVar aggregate classification (germline): Conflicting classifications of pathogenicity. Review status: criteria provided, conflicting classifications (1 of 4 stars). 2 submissions from 2 submitters: Uncertain significance (1); Likely benign (1). Last evaluated 2025-07-01.

Conditions:
Infantile neuroaxonal dystrophy (NBIA2A). Also called: NEURODEGENERATION WITH BRAIN IRON ACCUMULATION 2A; SEITELBERGER DISEASE; Infantile neuroaxonal dystrophy 1. Identifiers: Orphanet 35069, MedGen C0270724, MONDO:0024457, OMIM 256600.

Allele frequency attached by ClinVar (database versions not stated): gnomAD 0.00001; gnomAD exomes 0.00001; TOPMed 0.00002.
gnomAD v4.1: 9 of 1,558,910 alleles (0.00058%); highest among the groups gnomAD compares: South Asian, 0.0035%; no homozygotes.

Submissions (2):

CeGaT Center for Human Genetics Tuebingen
Classification: Uncertain significance. Last evaluated: 2025-07-01. Review status: criteria provided, single submitter. Criteria: CeGaT Center For Human Genetics Tuebingen Variant Classification Criteria Version 2. Collection method: clinical testing. Allele origin: germline. Affected: yes. Observed: 1 variant allele.
Comment: PLA2G6: PM2, BP4

Labcorp Genetics (formerly Invitae), Labcorp
Classification: Likely benign for Infantile neuroaxonal dystrophy. Last evaluated: 2024-01-19. Review status: criteria provided, single submitter. Criteria: Invitae Variant Classification Sherloc (09022015). Collection method: clinical testing. Allele origin: germline.